The following is an entry in ClinVar:

NM_000321.3(RB1):c.1739A>G (p.Glu580Gly)

Gene: RB1 (RB transcriptional corepressor 1; plus strand). Cytogenetic location: 13q14.2.
Variant type: single nucleotide variant.
Coding change: c.1739A>G on transcript NM_000321.3 (MANE Select); coding-DNA position 1739, A replaced by G.
Protein change: p.Glu580Gly; replaces glutamic acid 580 with glycine.
Molecular consequence: missense variant.
Genome position (GRCh38, 1-based): chr13:48,453,036, A>G. VCF-style: chr13-48453036-A-G. GRCh37 (hg19) VCF-style: chr13-49027172-A-G.
Other names: c.1739A>G, p.Glu580Gly (NM_001407165.1); short protein forms E580G.
Identifiers: ClinVar variation 1779137 (VCV001779137.2), dbSNP rs2542360705, ClinGen allele CA388165513.

ClinVar aggregate classification (germline): Uncertain significance (1 of 4 stars; one submission).

Conditions:
Hereditary cancer-predisposing syndrome. Also called: Neoplastic Syndromes, Hereditary; Tumor predisposition; Hereditary Cancer Syndrome; Hereditary neoplastic syndrome. Identifiers: Orphanet 140162, MedGen C0027672, MeSH D009386, MONDO:0015356.

Submission:

Ambry Genetics
Classification: Uncertain significance for Hereditary cancer-predisposing syndrome. Last evaluated: 2021-12-15. Review status: criteria provided, single submitter. Criteria: Ambry Variant Classification Scheme 2023. Collection method: clinical testing. Allele origin: germline.
Comment: The p.E580G variant (also known as c.1739A>G), located in coding exon 18 of the RB1 gene, results from an A to G substitution at nucleotide position 1739. The glutamic acid at codon 580 is replaced by glycine, an amino acid with similar properties. This amino acid position is highly conserved in available vertebrate species. In addition, the in silico prediction for this alteration is inconclusive. Since supporting evidence is limited at this time, the clinical significance of this alteration remains unclear.